The following is an entry in ClinVar:

ClinVar aggregate classification (germline): Uncertain significance (1 of 4 stars; one submission).

Submission:

Labcorp Genetics (formerly Invitae), Labcorp
Classification: Uncertain significance. Last evaluated: 2022-05-17. Review status: criteria provided, single submitter. Criteria: Invitae Variant Classification Sherloc (09022015). Collection method: clinical testing. Allele origin: germline.
Comment: In summary, the available evidence is currently insufficient to determine the role of this variant in disease. Therefore, it has been classified as a Variant of Uncertain Significance. Algorithms developed to predict the effect of missense changes on protein structure and function output the following: SIFT: "Tolerated"; PolyPhen-2: "Benign"; Align-GVGD: "Class C0". The asparagine amino acid residue is found in multiple mammalian species, which suggests that this missense change does not adversely affect protein function. This variant has not been reported in the literature in individuals affected with CACNA2D4-related conditions. This variant is not present in population databases (gnomAD no frequency). This sequence change replaces serine, which is neutral and polar, with asparagine, which is neutral and polar, at codon 945 of the CACNA2D4 protein (p.Ser945Asn).

NM_172364.5(CACNA2D4):c.2834G>A (p.Ser945Asn)

Gene: CACNA2D4 (calcium voltage-gated channel auxiliary subunit alpha2delta 4; minus strand). Cytogenetic location: 12p13.33.
Variant type: single nucleotide variant.
Coding change: c.2834G>A on transcript NM_172364.5 (MANE Select); coding-DNA position 2834, G replaced by A.
Protein change: p.Ser945Asn; replaces serine 945 with asparagine.
Molecular consequence: missense variant.
Genome position (GRCh38, 1-based): chr12:1,801,077, C>T on the plus strand (G>A on the coding strand, the complement: CACNA2D4 is on the minus strand). VCF-style: chr12-1801077-C-T. GRCh37 (hg19) VCF-style: chr12-1910243-C-T.
Other names: short protein forms S945N.
Identifiers: ClinVar variation 1995865 (VCV001995865.4), dbSNP rs2497710276, ClinGen allele CA383349170.